The following is an entry in ClinVar:

ClinVar aggregate classification (germline): Likely benign (0 of 4 stars; one submission).

Conditions:
SLC24A1-related disorder. Also called: SLC24A1-related condition.

Submission:

PreventionGenetics, part of Exact Sciences
Classification: Likely benign for SLC24A1-related condition. Last evaluated: 2019-04-15. Review status: no assertion criteria provided. Collection method: clinical testing. Allele origin: germline.
Comment: This variant is classified as likely benign based on ACMG/AMP sequence variant interpretation guidelines (Richards et al. 2015 PMID: 25741868, with internal and published modifications).

NM_004727.3(SLC24A1):c.1759CTG[4] (p.Leu591del)

Gene: SLC24A1 (solute carrier family 24 member 1; plus strand). Cytogenetic location: 15q22.31.
Variant type: Microsatellite.
Coding change: c.1759CTG[4] on transcript NM_004727.3 (MANE Select); four copies in a row of the 3-base unit CTG starting at c.1759; the reference has five copies in a row; one copy, 3 bases deleted.
Protein change: p.Leu591del; deletes leucine 591.
Genome position (GRCh38, 1-based): chr15:65,625,851-65,625,853, CTG deleted; deleting any 3 consecutive bases within chr15:65,625,839-65,625,853 gives the same sequence; the position shown is the placement nearest the transcript's 3' end. VCF-style (leftmost placement, unchanged base first): chr15-65625838-CCTG-C. GRCh37 (hg19) VCF-style: chr15-65918176-CCTG-C.
Other names: c.1759CTG[4], p.Leu591del (NM_001301031.1, NM_001301032.1, NM_001301033.2 and 1 more transcripts); short protein forms L591del.
Identifiers: ClinVar variation 3038326 (VCV003038326.2), dbSNP rs370680044, ClinGen allele CA7619967.